The following is an entry in ClinVar:

ClinVar aggregate classification (germline): Benign/Likely benign. Review status: criteria provided, multiple submitters, no conflicts (2 of 4 stars). 6 submissions from 6 submitters: Benign (2); Likely benign (3). 1 of the submissions does not count toward it. Last evaluated 2026-01-12.

Conditions:
Tuberous sclerosis 2 (TSC2). Identifiers: Orphanet 805, MedGen C1860707, MONDO:0013199, OMIM 613254.
Tuberous sclerosis syndrome (TSC). Also called: Tuberous Sclerosis Complex; Tuberous sclerosis. Identifiers: Orphanet 805, MedGen C0041341, MONDO:0001734.
Hereditary cancer-predisposing syndrome. Also called: Neoplastic Syndromes, Hereditary; Tumor predisposition; Hereditary Cancer Syndrome; Hereditary neoplastic syndrome. Identifiers: Orphanet 140162, MedGen C0027672, MeSH D009386, MONDO:0015356.

Allele frequency attached by ClinVar (database versions not stated): gnomAD 0.00003; TOPMed 0.00002.
gnomAD v4.1: 5 of 1,610,234 alleles (0.00031%); highest among the groups gnomAD compares: Admixed American, 0.0033%; no homozygotes.

Submissions (6):

Labcorp Genetics (formerly Invitae), Labcorp
Classification: Likely benign for Tuberous sclerosis 2. Last evaluated: 2026-01-12. Review status: criteria provided, single submitter. Criteria: Invitae Variant Classification Sherloc (09022015). Collection method: clinical testing. Allele origin: germline.

Myriad Genetics, Inc.
Classification: Benign for Tuberous sclerosis 2. Last evaluated: 2025-06-05. Review status: criteria provided, single submitter. Criteria: Myriad Autosomal Dominant, Autosomal Recessive and X-Linked Classification Criteria (2023). Collection method: clinical testing. Allele origin: unknown.
Comment: This variant is considered benign. This variant is a silent/synonymous amino acid change and it is not expected to impact splicing.

Genome-Nilou Lab
Classification: Benign for Tuberous sclerosis 2. Last evaluated: 2021-11-07. Review status: criteria provided, single submitter. Criteria: ACMG Guidelines, 2015. Collection method: clinical testing. Allele origin: germline. Affected: no.

GeneDx
Classification: Likely benign. Last evaluated: 2019-11-21. Review status: criteria provided, single submitter. Criteria: GeneDx Variant Classification Process June 2021. Collection method: clinical testing. Allele origin: germline. Affected: yes.

Ambry Genetics
Classification: Likely benign for Hereditary cancer-predisposing syndrome. Last evaluated: 2014-12-05. Review status: criteria provided, single submitter. Criteria: Ambry Variant Classification Scheme 2023. Collection method: clinical testing. Allele origin: germline.

Tuberous sclerosis database (TSC2)
No classification provided. Condition: TSC. Review status: no classification provided. Criteria: Tuberous Sclerosis Database Assertion Criteria 2015. Collection method: curation. Allele origin: germline. Affected: yes. Not counted in ClinVar's aggregate classification.

NM_000548.5(TSC2):c.4854C>T (p.Val1618=)

Gene: TSC2 (TSC complex subunit 2; plus strand). Cytogenetic location: 16p13.3.
Variant type: single nucleotide variant.
Coding change: c.4854C>T on transcript NM_000548.5 (MANE Select); coding-DNA position 4854, C replaced by T.
Protein change: p.Val1618=; no amino-acid change (valine 1618 retained).
Molecular consequence: synonymous variant.
Genome position (GRCh38, 1-based): chr16:2,086,736, C>T. VCF-style: chr16-2086736-C-T. GRCh37 (hg19) VCF-style: chr16-2136737-C-T.
Other names: c.4653C>T, p.Val1551= (NM_001077183.3); c.4785C>T, p.Val1595= (NM_001114382.3); c.4545C>T, p.Val1515= (NM_001318827.2); c.4509C>T, p.Val1503= (NM_001318829.2); c.4122C>T, p.Val1374= (NM_001318831.2); c.4686C>T, p.Val1562= (NM_001318832.2); c.4656C>T, p.Val1552= (NM_001363528.2); c.4722C>T, p.Val1574= (NM_001370404.1); and 1 more.
Identifiers: ClinVar variation 49927 (VCV000049927.18), dbSNP rs45517378, ClinGen allele CA021134.